The following is an entry in ClinVar:

NM_000038.6(APC):c.3270A>G (p.Gln1090=)

Gene: APC (APC regulator of Wnt signaling pathway; plus strand). Cytogenetic location: 5q22.2.
Variant type: single nucleotide variant.
Coding change: c.3270A>G on transcript NM_000038.6 (MANE Select); coding-DNA position 3270, A replaced by G.
Protein change: p.Gln1090=; no amino-acid change (glutamine 1090 retained).
Molecular consequence: synonymous variant.
Genome position (GRCh38, 1-based): chr5:112,838,864, A>G. VCF-style: chr5-112838864-A-G. GRCh37 (hg19) VCF-style: chr5-112174561-A-G.
Other names: c.3270A>G, p.Gln1090= (NM_001127510.3, NM_001354895.2); c.3216A>G, p.Gln1072= (NM_001127511.3); c.3324A>G, p.Gln1108= (NM_001354896.2); c.3300A>G, p.Gln1100= (NM_001354897.2); c.3195A>G, p.Gln1065= (NM_001354898.2); c.3186A>G, p.Gln1062= (NM_001354899.2); c.3147A>G, p.Gln1049= (NM_001354900.2); c.3093A>G, p.Gln1031= (NM_001354901.2); and 5 more.
Identifiers: ClinVar variation 236587 (VCV000236587.27), dbSNP rs780818655, ClinGen allele CA034883.

ClinVar aggregate classification (germline): Benign/Likely benign. Review status: criteria provided, multiple submitters, no conflicts (2 of 4 stars). 6 submissions from 6 submitters: Benign (1); Likely benign (5). Last evaluated 2025-10-23.

Conditions:
Classic or attenuated familial adenomatous polyposis. Identifiers: MedGen CN372698, MONDO:0021057.
Hereditary cancer-predisposing syndrome. Also called: Tumor predisposition; Hereditary Cancer Syndrome; Neoplastic Syndromes, Hereditary; Hereditary neoplastic syndrome. Identifiers: Orphanet 140162, MedGen C0027672, MeSH D009386, MONDO:0015356.
Familial adenomatous polyposis 1 (FAP1). Also called: FAMILIAL ADENOMATOUS POLYPOSIS 1, ATTENUATED; POLYPOSIS, ADENOMATOUS INTESTINAL. Identifiers: MedGen C2713442, MONDO:0021056, OMIM 175100. Disease mechanism: loss of function.

Allele frequency attached by ClinVar (database versions not stated): gnomAD exomes below 0.00001; ExAC 0.00001; gnomAD 0.00001; TOPMed 0.00002.
gnomAD v4.1: 6 of 1,614,040 alleles (0.00037%); highest among the groups gnomAD compares: East Asian, 0.0067%; no homozygotes.

Submissions (6):

Labcorp Genetics (formerly Invitae), Labcorp
Classification: Likely benign for Familial adenomatous polyposis 1. Last evaluated: 2025-10-23. Review status: criteria provided, single submitter. Criteria: Invitae Variant Classification Sherloc (09022015). Collection method: clinical testing. Allele origin: germline.

CeGaT Center for Human Genetics Tuebingen
Classification: Likely benign. Last evaluated: 2025-08-01. Review status: criteria provided, single submitter. Criteria: CeGaT Center For Human Genetics Tuebingen Variant Classification Criteria Version 2. Collection method: clinical testing. Allele origin: germline. Affected: yes. Observed: 1 variant allele.
Comment: APC: BP4, BP7

Myriad Genetics, Inc.
Classification: Benign for Familial adenomatous polyposis 1. Last evaluated: 2024-03-18. Review status: criteria provided, single submitter. Criteria: Myriad Autosomal Dominant, Autosomal Recessive and X-Linked Classification Criteria (2023). Collection method: clinical testing. Allele origin: unknown.
Comment: This variant is considered benign. This variant is a silent/synonymous amino acid change and it is not expected to impact splicing.

All of Us Research Program, National Institutes of Health
Classification: Likely benign for Classic or attenuated familial adenomatous polyposis. Last evaluated: 2023-09-17. Review status: criteria provided, single submitter. Criteria: ACMG Guidelines, 2015. Collection method: clinical testing. Allele origin: germline. Inheritance: Autosomal dominant inheritance. Observed: 3 variant alleles, 3 heterozygotes.
Comment: This study involves interpretation of variants in research participants for the purpose of population health screening. Participant phenotype was not available at the time of variant classification. Additional details can be found in publication PMID: 35346344, PMCID: PMC8962531

Ambry Genetics
Classification: Likely benign for Hereditary cancer-predisposing syndrome. Last evaluated: 2018-04-10. Review status: criteria provided, single submitter. Criteria: Ambry Variant Classification Scheme 2023. Collection method: clinical testing. Allele origin: germline.

Color Diagnostics, LLC DBA Color Health
Classification: Likely benign for Hereditary cancer-predisposing syndrome. Last evaluated: 2017-01-16. Review status: criteria provided, single submitter. Criteria: ACMG Guidelines, 2015. Collection method: clinical testing. Allele origin: germline.